The following is an entry in ClinVar:

ClinVar aggregate classification (germline): Conflicting classifications of pathogenicity. Review status: criteria provided, conflicting classifications (1 of 4 stars). 3 submissions from 3 submitters: Uncertain significance (2); Likely benign (1). Last evaluated 2025-10-12.

Conditions:
Hereditary cancer-predisposing syndrome. Also called: Neoplastic Syndromes, Hereditary; Tumor predisposition; Hereditary Cancer Syndrome; Hereditary neoplastic syndrome. Identifiers: Orphanet 140162, MedGen C0027672, MeSH D009386, MONDO:0015356.
Hereditary breast ovarian cancer syndrome. Also called: Hereditary breast and ovarian cancer; Hereditary breast and/or ovarian cancer syndrome; BRCA1- and BRCA2-Associated Hereditary Breast and Ovarian Cancer; Hereditary breast and ovarian cancer syndrome (HBOC); Hereditary breast and ovarian cancer syndrome; Breast and ovarian cancer. Identifiers: Orphanet 145, MedGen C0677776, MeSH D061325, MONDO:0003582. Disease mechanism: loss of function.

Submissions (3):

Labcorp Genetics (formerly Invitae), Labcorp
Classification: Uncertain significance for Hereditary breast ovarian cancer syndrome. Last evaluated: 2025-10-12. Review status: criteria provided, single submitter. Criteria: Invitae Variant Classification Sherloc (09022015). Collection method: clinical testing. Allele origin: germline.
Comment: This sequence change replaces lysine, which is basic and polar, with arginine, which is basic and polar, at codon 549 of the BRCA2 protein (p.Lys549Arg). This variant is not present in population databases (gnomAD no frequency). This variant has not been reported in the literature in individuals affected with BRCA2-related conditions. ClinVar contains an entry for this variant (Variation ID: 187398). Invitae Evidence Modeling of protein sequence and biophysical properties (such as structural, functional, and spatial information, amino acid conservation, physicochemical variation, residue mobility, and thermodynamic stability) indicates that this missense variant is not expected to disrupt BRCA2 protein function with a negative predictive value of 95%. In summary, the available evidence is currently insufficient to determine the role of this variant in disease. Therefore, it has been classified as a Variant of Uncertain Significance.

University of Washington Department of Laboratory Medicine, University of Washington
Classification: Likely benign for Hereditary cancer-predisposing syndrome. Last evaluated: 2023-03-23. Review status: criteria provided, single submitter. Criteria: Dines et al. (Genet Med. 2020). Collection method: curation. Allele origin: germline.
Comment: Missense variant in a coldspot region where missense variants are very unlikely to be pathogenic (PMID:31911673).

BRCA2 exon 10 coldspot. Reclassification based on statistical prior probability.

Ambry Genetics
Classification: Uncertain significance for Hereditary cancer-predisposing syndrome. Last evaluated: 2017-02-10. Review status: criteria provided, single submitter. Criteria: Ambry Variant Classification Scheme 2023. Collection method: clinical testing. Allele origin: germline.
Comment: The p.K549R variant (also known as c.1646A>G), located in coding exon 9 of the BRCA2 gene, results from an A to G substitution at nucleotide position 1646. The lysine at codon 549 is replaced by arginine, an amino acid with highly similar properties. This amino acid position is well conserved in available vertebrate species. In addition, this alteration is predicted to be tolerated by in silico analysis. Since supporting evidence is limited at this time, the clinical significance of this alteration remains unclear.

NM_000059.4(BRCA2):c.1646A>G (p.Lys549Arg)

Gene: BRCA2 (BRCA2 DNA repair associated; plus strand). Cytogenetic location: 13q13.1.
Variant type: single nucleotide variant.
Coding change: c.1646A>G on transcript NM_000059.4 (MANE Select); coding-DNA position 1646, A replaced by G.
Protein change: p.Lys549Arg; replaces lysine 549 with arginine.
Molecular consequence: missense variant.
Genome position (GRCh38, 1-based): chr13:32,333,124, A>G. VCF-style: chr13-32333124-A-G. GRCh37 (hg19) VCF-style: chr13-32907261-A-G.
Other names: short protein forms K549R.
Identifiers: ClinVar variation 187398 (VCV000187398.15), dbSNP rs786203702, ClinGen allele CA012761.